The following is an entry in ClinVar:

ClinVar aggregate classification (germline): Likely benign (0 of 4 stars; one submission).

Conditions:
PLXNA1-related disorder. Also called: PLXNA1-related condition.

Submission:

PreventionGenetics, part of Exact Sciences
Classification: Likely benign for PLXNA1-related condition. Last evaluated: 2024-09-17. Review status: no assertion criteria provided. Collection method: clinical testing. Allele origin: germline.
Comment: This variant is classified as likely benign based on ACMG/AMP sequence variant interpretation guidelines (Richards et al. 2015 PMID: 25741868, with internal and published modifications).

NM_032242.4(PLXNA1):c.2430G>C (p.Pro810=)

Gene: PLXNA1 (plexin A1; plus strand). Cytogenetic location: 3q21.3.
Variant type: single nucleotide variant.
Coding change: c.2430G>C on transcript NM_032242.4 (MANE Select); coding-DNA position 2430, G replaced by C.
Protein change: p.Pro810=; no amino-acid change (proline 810 retained).
Molecular consequence: synonymous variant.
Genome position (GRCh38, 1-based): chr3:127,014,201, G>C. VCF-style: chr3-127014201-G-C. GRCh37 (hg19) VCF-style: chr3-126733044-G-C.
Identifiers: ClinVar variation 3354853 (VCV003354853.1).